The following is an entry in ClinVar:

NM_001042681.2(RERE):c.890C>G (p.Pro297Arg)

Gene: RERE (arginine-glutamic acid dipeptide repeats; minus strand). Cytogenetic location: 1p36.23.
Variant type: single nucleotide variant.
Coding change: c.890C>G on transcript NM_001042681.2 (MANE Select); coding-DNA position 890, C replaced by G.
Protein change: p.Pro297Arg; replaces proline 297 with arginine.
Molecular consequence: missense variant.
Genome position (GRCh38, 1-based): chr1:8,497,519, G>C on the plus strand (C>G on the coding strand, the complement: RERE is on the minus strand). VCF-style: chr1-8497519-G-C. GRCh37 (hg19) VCF-style: chr1-8557579-G-C.
Other names: c.890C>G, p.Pro297Arg (NM_012102.4); short protein forms P297R.
Identifiers: ClinVar variation 1201349 (VCV001201349.3), dbSNP rs1645061321, ClinGen allele CA338224119.
Genomic context (GRCh38, chr1:8,497,519, plus strand): 5'-ACCAGTTCCTCATGTTGGGTCACTGTATCACCATCTGGAGAAGGAAATGGTTGCAGATCT[G>C]GAAGTTTGGCCTGTAAGACAGGGATGAGTAAGTCACAATCAAGGCATGTATTAATTATAA-3'
Protein context (NP_001036146.1, residues 287-307): RVGPSHQAKL[Pro297Arg]DLQPFPSPDG

ClinVar aggregate classification (germline): Uncertain significance (1 of 4 stars; one submission).

Submission:

GeneDx
Classification: Uncertain significance. Last evaluated: 2021-01-06. Review status: criteria provided, single submitter. Criteria: GeneDx Variant Classification Process June 2021. Collection method: clinical testing. Allele origin: germline. Affected: yes.
Comment: Not observed in large population cohorts (Lek et al., 2016); In silico analysis supports that this missense variant has a deleterious effect on protein structure/function; Has not been previously published as pathogenic or benign to our knowledge